The following is an entry in ClinVar:

NM_001203.3(BMPR1B):c.391T>A (p.Ser131Thr)

Gene: BMPR1B (bone morphogenetic protein receptor type 1B; plus strand). Cytogenetic location: 4q22.3.
Variant type: single nucleotide variant.
Coding change: c.391T>A on transcript NM_001203.3 (MANE Select); coding-DNA position 391, T replaced by A.
Protein change: p.Ser131Thr; replaces serine 131 with threonine.
Molecular consequence: missense variant.
Genome position (GRCh38, 1-based): chr4:95,123,851, T>A. VCF-style: chr4-95123851-T-A. GRCh37 (hg19) VCF-style: chr4-96045002-T-A.
Other names: c.391T>A, p.Ser131Thr (NM_001256792.2, NM_001256794.1); c.481T>A, p.Ser161Thr (NM_001256793.2); c.391T>A (NM_001203.2); short protein forms S131T, S161T.
Identifiers: ClinVar variation 1011960 (VCV001011960.10), dbSNP rs561117066, ClinGen allele CA3014963.
Genomic context (GRCh38, chr4:95,123,851, plus strand): 5'-TTTTTCTTTTTAATTTCAGATTTTGTTGATGGACCTATACACCACAGGGCTTTACTTATA[T>A]CTGTGACTGTCTGTAGTTTGCTCTTGGTCCTTATCATATTATTTTGTTACTTCCGGTAAG-3'
Protein context (NP_001194.1, residues 121-141): GPIHHRALLI[Ser131Thr]VTVCSLLLVL

ClinVar aggregate classification (germline): Uncertain significance. Review status: criteria provided, multiple submitters, no conflicts (2 of 4 stars). 2 submissions from 2 submitters: Uncertain significance (2). Last evaluated 2024-07-14.

Conditions:
Acromesomelic dysplasia 3 (AMD3). Also called: CHONDRODYSPLASIA, ACROMESOMELIC, WITH OR WITHOUT GENITAL ANOMALIES; Acromesomelic dysplasia, Demirhan type. Identifiers: MedGen C4225404, MONDO:0012274, OMIM 609441.
Type A2 brachydactyly (BDA2). Also called: BRACHYMESOPHALANGY II; MOHR-WRIEDT TYPE BRACHYDACTYLY; Brachymesophalangy type 2. Identifiers: Orphanet 93396, MedGen C1832702, MONDO:0007216, OMIM 112600, HP:0009372.
Inborn genetic diseases. Identifiers: MedGen C0950123, MeSH D030342.

Allele frequency attached by ClinVar (database versions not stated): TOPMed below 0.00001; ExAC 0.00001; gnomAD 0.00001 and 0.00002; gnomAD exomes 0.00001; 1000 Genomes Project 30x 0.00031; 1000 Genomes Project 0.00040.
gnomAD v4.1: 17 of 1,612,406 alleles (0.0011%); highest among the groups gnomAD compares: East Asian, 0.013%; no homozygotes.

Submissions (2):

Labcorp Genetics (formerly Invitae), Labcorp
Classification: Uncertain significance for Type A2 brachydactyly; Acromesomelic dysplasia 3. Last evaluated: 2024-07-14. Review status: criteria provided, single submitter. Criteria: Invitae Variant Classification Sherloc (09022015). Collection method: clinical testing. Allele origin: germline.
Comment: This sequence change replaces serine, which is neutral and polar, with threonine, which is neutral and polar, at codon 131 of the BMPR1B protein (p.Ser131Thr). This variant is present in population databases (rs561117066, gnomAD 0.006%). This variant has not been reported in the literature in individuals affected with BMPR1B-related conditions. ClinVar contains an entry for this variant (Variation ID: 1011960). Advanced modeling of protein sequence and biophysical properties (such as structural, functional, and spatial information, amino acid conservation, physicochemical variation, residue mobility, and thermodynamic stability) performed at Invitae indicates that this missense variant is not expected to disrupt BMPR1B protein function with a negative predictive value of 80%. In summary, the available evidence is currently insufficient to determine the role of this variant in disease. Therefore, it has been classified as a Variant of Uncertain Significance.

Ambry Genetics
Classification: Uncertain significance for Inborn genetic diseases. Last evaluated: 2021-07-06. Review status: criteria provided, single submitter. Criteria: Ambry Variant Classification Scheme 2023. Collection method: clinical testing. Allele origin: germline.